The following is an entry in ClinVar:

ClinVar aggregate classification (germline): Likely benign (1 of 4 stars; one submission).

Conditions:
PEX6-related disorder. Also called: PEX6-related disorders; PEX6-related condition.

Submission:

PreventionGenetics, part of Exact Sciences
Classification: Likely benign for PEX6-related condition. Last evaluated: 2025-07-03. Review status: criteria provided, single submitter. Criteria: ACMG Guidelines, 2015. Collection method: clinical testing. Allele origin: germline.
Comment: This variant is classified as likely benign based on ACMG/AMP sequence variant interpretation guidelines (Richards et al. 2015 PMID: 25741868, with internal and published modifications).

NM_000287.4(PEX6):c.2300+27_2300+29del

Gene: PEX6 (peroxisomal biogenesis factor 6; minus strand). Cytogenetic location: 6p21.1.
Variant type: Microsatellite.
Coding change: c.2300+27_2300+29del on transcript NM_000287.4 (MANE Select); bases 27 to 29 of the intron after coding-DNA position 2300, 3 bases deleted (TGG; older notation c.2300+27_2300+29delTGG).
Molecular consequence: intron variant.
Genome position (GRCh38, 1-based): chr6:42,966,213-42,966,215, CCA deleted on the plus strand (TGG on the coding strand, the reverse complement: PEX6 is on the minus strand); deleting any 3 consecutive bases within chr6:42,966,213-42,966,218 gives the same sequence; the c. name uses the placement nearest the transcript's 3' end. VCF-style (leftmost placement, unchanged base first): chr6-42966212-CCCA-C. GRCh37 (hg19) VCF-style: chr6-42933950-CCCA-C.
Other names: c.2036+27_2036+29del (NM_001316313.2).
Identifiers: ClinVar variation 4999337 (VCV004999337.1).